The following is an entry in ClinVar:

NM_005902.4(SMAD3):c.334G>A (p.Ala112Thr)

Gene: SMAD3 (SMAD family member 3; plus strand). Cytogenetic location: 15q22.33.
Variant type: single nucleotide variant.
Coding change: c.334G>A on transcript NM_005902.4 (MANE Select); coding-DNA position 334, G replaced by A.
Protein change: p.Ala112Thr; replaces alanine 112 with threonine.
Molecular consequence: missense variant.
Genome position (GRCh38, 1-based): chr15:67,165,022, G>A. VCF-style: chr15-67165022-G-A. GRCh37 (hg19) VCF-style: chr15-67457360-G-A.
Other names: c.19G>A, p.Ala7Thr (NM_001145102.2); c.202G>A, p.Ala68Thr (NM_001145103.2); short protein forms A112T, A7T, A68T.
Identifiers: ClinVar variation 871072 (VCV000871072.59), dbSNP rs770798158, ClinGen allele CA062122.

ClinVar aggregate classification (germline): Uncertain significance. Review status: criteria provided, multiple submitters, no conflicts (2 of 4 stars). 9 submissions from 9 submitters: Uncertain significance (9). Last evaluated 2025-01-28.

Conditions:
Aneurysm-osteoarthritis syndrome. Also called: Loeys-Dietz syndrome, type 1C; SMAD3-Related Loeys-Dietz Syndrome; ANEURYSMS-OSTEOARTHRITIS SYNDROME; LOEYS-DIETZ SYNDROME WITH OSTEOARTHRITIS. Identifiers: Orphanet 284984, MedGen C3151087, MONDO:0013426, OMIM 613795.
Familial thoracic aortic aneurysm and aortic dissection (TAAD). Also called: Thoracic aortic aneurysms and dissections. Identifiers: Orphanet 91387, MedGen C4707243, MONDO:0019625.

Allele frequency attached by ClinVar (database versions not stated): gnomAD exomes 0.00002; ExAC 0.00003.
gnomAD v4.1: 11 of 1,614,132 alleles (0.00068%); highest among the groups gnomAD compares: South Asian, 0.0044%; no homozygotes.

Submissions (9):

Labcorp Genetics (formerly Invitae), Labcorp
Classification: Uncertain significance for Familial thoracic aortic aneurysm and aortic dissection. Last evaluated: 2025-01-28. Review status: criteria provided, single submitter. Criteria: Invitae Variant Classification Sherloc (09022015). Collection method: clinical testing. Allele origin: germline.
Comment: This sequence change replaces alanine, which is neutral and non-polar, with threonine, which is neutral and polar, at codon 112 of the SMAD3 protein (p.Ala112Thr). This variant is present in population databases (rs770798158, gnomAD 0.003%). This variant has not been reported in the literature in individuals affected with SMAD3-related conditions. ClinVar contains an entry for this variant (Variation ID: 871072). Invitae Evidence Modeling of protein sequence and biophysical properties (such as structural, functional, and spatial information, amino acid conservation, physicochemical variation, residue mobility, and thermodynamic stability) has been performed for this missense variant. However, the output from this modeling did not meet the statistical confidence thresholds required to predict the impact of this variant on SMAD3 protein function. This variant disrupts the p.Ala112 amino acid residue in SMAD3. Other variant(s) that disrupt this residue have been observed in individuals with SMAD3-related conditions (PMID: 21778426, 30661052, 32154675), which suggests that this may be a clinically significant amino acid residue. In summary, the available evidence is currently insufficient to determine the role of this variant in disease. Therefore, it has been classified as a Variant of Uncertain Significance.

Ambry Genetics
Classification: Uncertain significance for Familial thoracic aortic aneurysm and aortic dissection. Last evaluated: 2024-10-10. Review status: criteria provided, single submitter. Criteria: Ambry Variant Classification Scheme 2023. Collection method: clinical testing. Allele origin: germline.
Comment: The p.A112T variant (also known as c.334G>A), located in coding exon 2 of the SMAD3 gene, results from a G to A substitution at nucleotide position 334. The alanine at codon 112 is replaced by threonine, an amino acid with similar properties. This amino acid position is highly conserved in available vertebrate species. In addition, this alteration is predicted to be deleterious by in silico analysis. Based on the available evidence, the clinical significance of this variant remains unclear.

All of Us Research Program, National Institutes of Health
Classification: Uncertain significance for Aneurysm-osteoarthritis syndrome. Last evaluated: 2024-05-30. Review status: criteria provided, single submitter. Criteria: ACMG Guidelines, 2015. Collection method: clinical testing. Allele origin: germline. Inheritance: Autosomal dominant inheritance. Observed: 2 variant alleles, 2 heterozygotes.
Comment: This missense variant replaces alanine with threonine at codon 112 of the SMAD3 protein. Computational prediction suggests that this variant may have deleterious impact on protein structure and function (internally defined REVEL score threshold >= 0.7, PMID: 27666373). Splice site prediction tools suggest that this variant may not impact RNA splicing. To our knowledge, functional studies have not been reported for this variant. This variant has not been reported in individuals affected with cardiovascular disorders in the literature. This variant has been identified in 4/251428 chromosomes in the general population by the Genome Aggregation Database (gnomAD). The available evidence is insufficient to determine the role of this variant in disease conclusively. Therefore, this variant is classified as a Variant of Uncertain Significance.

This study involves interpretation of variants in research participants for the purpose of population health screening. Participant phenotype was not available at the time of variant classification. Additional details can be found in publication PMID: 35346344, PMCID: PMC8962531

Color Diagnostics, LLC DBA Color Health
Classification: Uncertain significance for Familial thoracic aortic aneurysm and aortic dissection. Last evaluated: 2024-05-11. Review status: criteria provided, single submitter. Criteria: ACMG Guidelines, 2015. Collection method: clinical testing. Allele origin: germline.
Comment: This missense variant replaces alanine with threonine at codon 112 of the SMAD3 protein. Computational prediction tools indicate that this variant has a deleterious impact on protein structure and function. To our knowledge, functional studies have not been reported for this variant. This variant has not been reported in individuals affected with SMAD3-related disorders in the literature. This variant has been identified in 4/251428 chromosomes in the general population by the Genome Aggregation Database (gnomAD). The available evidence is insufficient to determine the role of this variant in disease conclusively. Therefore, this variant is classified as a Variant of Uncertain Significance.

GeneDx
Classification: Uncertain significance. Last evaluated: 2022-05-17. Review status: criteria provided, single submitter. Criteria: GeneDx Variant Classification Process June 2021. Collection method: clinical testing. Allele origin: germline. Affected: yes.
Comment: Not observed at significant frequency in large population cohorts (gnomAD); In silico analysis supports that this missense variant has a deleterious effect on protein structure/function; Has not been previously published as pathogenic or benign to our knowledge

Institute of Human Genetics, University of Leipzig Medical Center
Classification: Uncertain significance for Aneurysm-osteoarthritis syndrome. Last evaluated: 2022-03-28. Review status: criteria provided, single submitter. Criteria: ACMG Guidelines, 2015. Collection method: clinical testing. Allele origin: unknown. Affected: yes.
Comment: _x000D_ Criteria applied: PM1, PM5, PP3

Fulgent Genetics
Classification: Uncertain significance for Aneurysm-osteoarthritis syndrome. Last evaluated: 2021-10-29. Review status: criteria provided, single submitter. Criteria: ACMG Guidelines, 2015. Collection method: clinical testing. Allele origin: unknown.

Blueprint Genetics
Classification: Uncertain significance. Last evaluated: 2021-07-14. Review status: criteria provided, single submitter. Criteria: ACMG Guidelines, 2015. Collection method: clinical testing. Allele origin: germline.

CeGaT Center for Human Genetics Tuebingen
Classification: Uncertain significance. Last evaluated: 2019-09-01. Review status: criteria provided, single submitter. Criteria: CeGaT Center For Human Genetics Tuebingen Variant Classification Criteria Version 2. Collection method: clinical testing. Allele origin: germline. Affected: yes. Observed: 1 variant allele.

Literature cited by the submitters: PubMed 21778426 (cited by Labcorp Genetics (formerly Invitae), Labcorp); PubMed 30661052 (cited by Labcorp Genetics (formerly Invitae), Labcorp); PubMed 32154675 (cited by Labcorp Genetics (formerly Invitae), Labcorp).